The following is an entry in ClinVar:

ClinVar aggregate classification (germline): Uncertain significance (1 of 4 stars; one submission).

Submission:

GeneDx
Classification: Uncertain significance. Last evaluated: 2025-03-17. Review status: criteria provided, single submitter. Criteria: GeneDx Variant Classification Process June 2021. Collection method: clinical testing. Allele origin: germline. Affected: yes.
Comment: Not observed at significant frequency in large population cohorts (gnomAD); In silico analysis indicates that this missense variant does not alter protein structure/function; Has not been previously published as pathogenic or benign to our knowledge

NM_001008537.3(NEXMIF):c.3869G>T (p.Ser1290Ile)

Gene: NEXMIF (neurite extension and migration factor; minus strand). Cytogenetic location: Xq13.3.
Variant type: single nucleotide variant.
Coding change: c.3869G>T on transcript NM_001008537.3 (MANE Select); coding-DNA position 3869, G replaced by T.
Protein change: p.Ser1290Ile; replaces serine 1290 with isoleucine.
Molecular consequence: missense variant.
Genome position (GRCh38, 1-based): chrX:74,740,688, C>A on the plus strand (G>T on the coding strand, the complement: NEXMIF is on the minus strand). VCF-style: chrX-74740688-C-A. GRCh37 (hg19) VCF-style: chrX-73960523-C-A.
Other names: short protein forms S1290I.
Identifiers: ClinVar variation 3371321 (VCV003371321.2).
Genomic context (GRCh38, chrX:74,740,688, plus strand): 5'-TGGTCATCATCCAGAAGGCTGTTGGTGTTGGTGCCCATGCTCATATCACTCCAGCCTGGG[C>A]TGCTCTCCTTCCCCAAGGCCCAATCTCCAGAAAGTCCCTTTTGACTTGGCATCTTCATAG-3'
Protein context (NP_001008537.1, residues 1280-1300): SGDWALGKES[Ser1290Ile]PGWSDMSMGT